The following is an entry in ClinVar:

ClinVar aggregate classification (germline): Pathogenic (1 of 4 stars; one submission).

Conditions:
Frontotemporal dementia and/or amyotrophic lateral sclerosis 1 (FTDALS1). Also called: Frontotemporal dementia with motor neuron disease 1; C9orf72 Frontotemporal Dementia and/or Amyotrophic Lateral Sclerosis. Identifiers: Orphanet 275872, MedGen C5779877, MONDO:0007105, OMIM 105550.
Paget disease of bone 2, early-onset (PDB2). Also called: Paget disease of bone 2. Identifiers: MedGen C4085251, MONDO:0011183, OMIM 602080.

Submission:

Labcorp Genetics (formerly Invitae), Labcorp
Classification: Pathogenic for Paget disease of bone 2, early-onset; Frontotemporal dementia and/or amyotrophic lateral sclerosis 1. Last evaluated: 2024-03-01. Review status: criteria provided, single submitter. Criteria: Invitae Variant Classification Sherloc (09022015). Collection method: clinical testing. Allele origin: germline.
Comment: This sequence change creates a premature translational stop signal (p.Trp206Glufs*43) in the SQSTM1 gene. It is expected to result in an absent or disrupted protein product. Loss-of-function variants in SQSTM1 are known to be pathogenic (PMID: 27545679, 29959261). This variant is not present in population databases (gnomAD no frequency). This variant has not been reported in the literature in individuals affected with SQSTM1-related conditions. For these reasons, this variant has been classified as Pathogenic.

Literature cited by the submitters: PubMed 27545679; PubMed 29959261.

NM_003900.5(SQSTM1):c.616_617del (p.Trp206fs)

Gene: SQSTM1 (sequestosome 1; plus strand). Cytogenetic location: 5q35.3.
Variant type: Deletion.
Coding change: c.616_617del on transcript NM_003900.5 (MANE Select); coding-DNA positions 616 to 617, 2 bases deleted (TG; older notation c.616_617delTG).
Protein change: p.Trp206fs; shifts the reading frame from tryptophan 206.
Molecular consequence: frameshift variant.
Genome position (GRCh38, 1-based): chr5:179,824,266-179,824,267, TG deleted. VCF-style (leftmost placement, unchanged base first): chr5-179824265-CTG-C. GRCh37 (hg19) VCF-style: chr5-179251265-CTG-C.
Other names: c.364_365del, p.Trp122fs (NM_001142298.2, NM_001142299.2); short protein forms W122fs, W206fs.
Identifiers: ClinVar variation 3753178 (VCV003753178.2).